The following is an entry in ClinVar:

NM_001852.4(COL9A2):c.593G>A (p.Arg198His)

Gene: COL9A2 (collagen type IX alpha 2 chain; minus strand). Cytogenetic location: 1p34.2.
Variant type: single nucleotide variant.
Coding change: c.593G>A on transcript NM_001852.4 (MANE Select); coding-DNA position 593, G replaced by A.
Protein change: p.Arg198His; replaces arginine 198 with histidine.
Molecular consequence: missense variant.
Genome position (GRCh38, 1-based): chr1:40,311,130, C>T on the plus strand (G>A on the coding strand, the complement: COL9A2 is on the minus strand). VCF-style: chr1-40311130-C-T. GRCh37 (hg19) VCF-style: chr1-40776802-C-T.
Other names: short protein forms R198H.
Identifiers: ClinVar variation 1413756 (VCV001413756.6), dbSNP rs759781792, ClinGen allele CA791839.

ClinVar aggregate classification (germline): Uncertain significance (1 of 4 stars; one submission).

Allele frequency attached by ClinVar (database versions not stated): gnomAD exomes 0.00001 and 0.00002; ExAC 0.00002; gnomAD 0.00007; TOPMed 0.00007.
gnomAD v4.1: 20 of 1,614,110 alleles (0.0012%); highest among the groups gnomAD compares: African/African-American, 0.019%; no homozygotes.

Submission:

Labcorp Genetics (formerly Invitae), Labcorp
Classification: Uncertain significance. Last evaluated: 2025-10-08. Review status: criteria provided, single submitter. Criteria: Invitae Variant Classification Sherloc (09022015). Collection method: clinical testing. Allele origin: germline.
Comment: This sequence change replaces arginine, which is basic and polar, with histidine, which is basic and polar, at codon 198 of the COL9A2 protein (p.Arg198His). This variant is present in population databases (rs759781792, gnomAD 0.02%). This variant has not been reported in the literature in individuals affected with COL9A2-related conditions. ClinVar contains an entry for this variant (Variation ID: 1413756). Invitae Evidence Modeling of protein sequence and biophysical properties (such as structural, functional, and spatial information, amino acid conservation, physicochemical variation, residue mobility, and thermodynamic stability) indicates that this missense variant is not expected to disrupt COL9A2 protein function with a negative predictive value of 95%. In summary, the available evidence is currently insufficient to determine the role of this variant in disease. Therefore, it has been classified as a Variant of Uncertain Significance.